The following is an entry in ClinVar:

ClinVar aggregate classification (germline): Likely benign. Review status: criteria provided, single submitter (1 of 4 stars). 2 submissions from 2 submitters: Likely benign (1). 1 of the submissions does not count toward it. Last evaluated 2025-08-13.

Conditions:
FRAS1-related disorder. Also called: FRAS1-related condition.

Allele frequency attached by ClinVar (database versions not stated): 1000 Genomes Project 30x 0.00016; ExAC 0.00012; gnomAD exomes 0.00005; TOPMed below 0.00001; gnomAD 0.00003; 1000 Genomes Project 0.00020.
gnomAD v4.1: 75 of 1,613,930 alleles (0.0046%); highest among the groups gnomAD compares: South Asian, 0.074%; 1 homozygote.

Submissions (2):

Labcorp Genetics (formerly Invitae), Labcorp
Classification: Likely benign. Last evaluated: 2025-08-13. Review status: criteria provided, single submitter. Criteria: Invitae Variant Classification Sherloc (09022015). Collection method: clinical testing. Allele origin: germline.

PreventionGenetics, part of Exact Sciences
Classification: Likely benign for FRAS1-related condition. Last evaluated: 2023-12-20. Review status: no assertion criteria provided. Collection method: clinical testing. Allele origin: germline. Not counted in ClinVar's aggregate classification.
Comment: This variant is classified as likely benign based on ACMG/AMP sequence variant interpretation guidelines (Richards et al. 2015 PMID: 25741868, with internal and published modifications).

NM_025074.7(FRAS1):c.7077C>T (p.Thr2359=)

Gene: FRAS1 (Fraser extracellular matrix complex subunit 1; plus strand). Cytogenetic location: 4q21.21.
Variant type: single nucleotide variant.
Coding change: c.7077C>T on transcript NM_025074.7 (MANE Select); coding-DNA position 7077, C replaced by T.
Protein change: p.Thr2359=; no amino-acid change (threonine 2359 retained).
Molecular consequence: synonymous variant.
Genome position (GRCh38, 1-based): chr4:78,466,255, C>T. VCF-style: chr4-78466255-C-T. GRCh37 (hg19) VCF-style: chr4-79387409-C-T.
Other names: c.7077C>T (NM_025074.6).
Identifiers: ClinVar variation 3015400 (VCV003015400.5), dbSNP rs568230055, ClinGen allele CA2977992.